The following is an entry in ClinVar:

ClinVar aggregate classification (germline): Uncertain significance. Review status: criteria provided, multiple submitters, no conflicts (2 of 4 stars). 4 submissions from 4 submitters: Uncertain significance (4). Last evaluated 2025-04-13.

Conditions:
Hereditary cancer-predisposing syndrome. Also called: Neoplastic Syndromes, Hereditary; Tumor predisposition; Hereditary neoplastic syndrome; Hereditary Cancer Syndrome. Identifiers: Orphanet 140162, MedGen C0027672, MeSH D009386, MONDO:0015356.
Familial adenomatous polyposis 1 (FAP1). Also called: FAMILIAL ADENOMATOUS POLYPOSIS 1, ATTENUATED; POLYPOSIS, ADENOMATOUS INTESTINAL. Identifiers: MedGen C2713442, MONDO:0021056, OMIM 175100. Disease mechanism: loss of function.

Submissions (4):

Labcorp Genetics (formerly Invitae), Labcorp
Classification: Uncertain significance for Familial adenomatous polyposis 1. Last evaluated: 2025-04-13. Review status: criteria provided, single submitter. Criteria: Invitae Variant Classification Sherloc (09022015). Collection method: clinical testing. Allele origin: germline.
Comment: This sequence change replaces threonine, which is neutral and polar, with serine, which is neutral and polar, at codon 2514 of the APC protein (p.Thr2514Ser). This variant is not present in population databases (gnomAD no frequency). This variant has not been reported in the literature in individuals affected with APC-related conditions. ClinVar contains an entry for this variant (Variation ID: 642835). Invitae Evidence Modeling of protein sequence and biophysical properties (such as structural, functional, and spatial information, amino acid conservation, physicochemical variation, residue mobility, and thermodynamic stability) indicates that this missense variant is not expected to disrupt APC protein function with a negative predictive value of 95%. In summary, the available evidence is currently insufficient to determine the role of this variant in disease. Therefore, it has been classified as a Variant of Uncertain Significance.

Center for Genomic Medicine, Rigshospitalet, Copenhagen University Hospital
Classification: Uncertain significance. Last evaluated: 2025-03-04. Review status: criteria provided, single submitter. Criteria: ACMG Guidelines, 2015. Collection method: clinical testing. Allele origin: germline.

Ambry Genetics
Classification: Uncertain significance for Hereditary cancer-predisposing syndrome. Last evaluated: 2025-01-11. Review status: criteria provided, single submitter. Criteria: Ambry Variant Classification Scheme 2023. Collection method: clinical testing. Allele origin: germline.
Comment: The p.T2514S variant (also known as c.7540A>T), located in coding exon 15 of the APC gene, results from an A to T substitution at nucleotide position 7540. The threonine at codon 2514 is replaced by serine, an amino acid with similar properties. This amino acid position is not well conserved in available vertebrate species. In addition, in silico predictors for this gene do not accurately predict pathogenicity. Based on the available evidence, the clinical significance of this variant remains unclear.

Color Diagnostics, LLC DBA Color Health
Classification: Uncertain significance for Hereditary cancer-predisposing syndrome. Last evaluated: 2024-11-14. Review status: criteria provided, single submitter. Criteria: ACMG Guidelines, 2015. Collection method: clinical testing. Allele origin: germline.
Comment: This missense variant replaces threonine with serine at codon 2514 of the APC protein. Computational prediction suggests that this variant may not impact protein structure and function (internally defined REVEL score threshold <= 0.5, PMID: 27666373). To our knowledge, functional studies have not been reported for this variant. This variant has not been reported in individuals affected with APC-related disorders in the literature. This variant has not been identified in the general population by the Genome Aggregation Database (gnomAD). The available evidence is insufficient to determine the role of this variant in disease conclusively. Therefore, this variant is classified as a Variant of Uncertain Significance.

NM_000038.6(APC):c.7540A>T (p.Thr2514Ser)

Gene: APC (APC regulator of Wnt signaling pathway; plus strand). Cytogenetic location: 5q22.2.
Variant type: single nucleotide variant.
Coding change: c.7540A>T on transcript NM_000038.6 (MANE Select); coding-DNA position 7540, A replaced by T.
Protein change: p.Thr2514Ser; replaces threonine 2514 with serine.
Molecular consequence: missense variant.
Genome position (GRCh38, 1-based): chr5:112,843,134, A>T. VCF-style: chr5-112843134-A-T. GRCh37 (hg19) VCF-style: chr5-112178831-A-T.
Other names: c.7540A>T, p.Thr2514Ser (NM_001127510.3, NM_001354895.2); c.7486A>T, p.Thr2496Ser (NM_001127511.3); c.7594A>T, p.Thr2532Ser (NM_001354896.2); c.7570A>T, p.Thr2524Ser (NM_001354897.2); c.7465A>T, p.Thr2489Ser (NM_001354898.2); c.7456A>T, p.Thr2486Ser (NM_001354899.2); c.7417A>T, p.Thr2473Ser (NM_001354900.2); c.7363A>T, p.Thr2455Ser (NM_001354901.2); and 5 more; short protein forms T2231S, T2423S, T2455S, T2354S, T2413S, T2489S, T2496S, T2524S.
Identifiers: ClinVar variation 642835 (VCV000642835.24), dbSNP rs545125246, ClinGen allele CA16037721.